The following is an entry in ClinVar:

ClinVar aggregate classification (germline): Uncertain significance. Review status: criteria provided, multiple submitters, no conflicts (2 of 4 stars). 2 submissions from 2 submitters: Uncertain significance (2). Last evaluated 2023-02-16.

Conditions:
Townes syndrome (TBS). Also called: Townes-Brocks syndrome. Identifiers: Orphanet 857, MedGen C0265246, MeSH C536974, MONDO:0007142.

Allele frequency attached by ClinVar (database versions not stated): gnomAD 0.00001; gnomAD exomes 0.00001; TOPMed 0.00002.
gnomAD v4.1: 17 of 1,614,024 alleles (0.0011%); highest among the groups gnomAD compares: African/African-American, 0.0013%; no homozygotes.

Submissions (2):

GeneDx
Classification: Uncertain significance. Last evaluated: 2023-02-16. Review status: criteria provided, single submitter. Criteria: GeneDx Variant Classification Process June 2021. Collection method: clinical testing. Allele origin: germline. Affected: yes.
Comment: In silico analysis supports that this missense variant has a deleterious effect on protein structure/function; Has not been previously published as pathogenic or benign to our knowledge

Labcorp Genetics (formerly Invitae), Labcorp
Classification: Uncertain significance for Townes syndrome. Last evaluated: 2022-10-08. Review status: criteria provided, single submitter. Criteria: Invitae Variant Classification Sherloc (09022015). Collection method: clinical testing. Allele origin: germline.
Comment: In summary, the available evidence is currently insufficient to determine the role of this variant in disease. Therefore, it has been classified as a Variant of Uncertain Significance. Advanced modeling of protein sequence and biophysical properties (such as structural, functional, and spatial information, amino acid conservation, physicochemical variation, residue mobility, and thermodynamic stability) performed at Invitae indicates that this missense variant is expected to disrupt SALL1 protein function. This variant has not been reported in the literature in individuals affected with SALL1-related conditions. This variant is present in population databases (no rsID available, gnomAD 0.007%). This sequence change replaces asparagine, which is neutral and polar, with serine, which is neutral and polar, at codon 706 of the SALL1 protein (p.Asn706Ser).

NM_002968.3(SALL1):c.2117A>G (p.Asn706Ser)

Gene: SALL1 (spalt like transcription factor 1; minus strand). Cytogenetic location: 16q12.1.
Variant type: single nucleotide variant.
Coding change: c.2117A>G on transcript NM_002968.3 (MANE Select); coding-DNA position 2117, A replaced by G.
Protein change: p.Asn706Ser; replaces asparagine 706 with serine.
Molecular consequence: missense variant.
Genome position (GRCh38, 1-based): chr16:51,140,105, T>C on the plus strand (A>G on the coding strand, the complement: SALL1 is on the minus strand). VCF-style: chr16-51140105-T-C. GRCh37 (hg19) VCF-style: chr16-51174016-T-C.
Other names: c.1826A>G, p.Asn609Ser (NM_001127892.2); short protein forms N609S, N706S.
Identifiers: ClinVar variation 1942086 (VCV001942086.6), dbSNP rs1291932129, ClinGen allele CA395886325.